The following is an entry in ClinVar:

ClinVar aggregate classification (germline): Uncertain significance (1 of 4 stars; one submission).

Submission:

Labcorp Genetics (formerly Invitae), Labcorp
Classification: Uncertain significance. Last evaluated: 2023-11-25. Review status: criteria provided, single submitter. Criteria: Invitae Variant Classification Sherloc (09022015). Collection method: clinical testing. Allele origin: germline.
Comment: This sequence change replaces valine, which is neutral and non-polar, with isoleucine, which is neutral and non-polar, at codon 835 of the CFH protein (p.Val835Ile). This variant is not present in population databases (gnomAD no frequency). This variant has not been reported in the literature in individuals affected with CFH-related conditions. Algorithms developed to predict the effect of missense changes on protein structure and function output the following: SIFT: "Not Available"; PolyPhen-2: "Benign"; Align-GVGD: "Not Available". The isoleucine amino acid residue is found in multiple mammalian species, which suggests that this missense change does not adversely affect protein function. In summary, the available evidence is currently insufficient to determine the role of this variant in disease. Therefore, it has been classified as a Variant of Uncertain Significance.

NM_000186.4(CFH):c.2503G>A (p.Val835Ile)

Gene: CFH (complement factor H; plus strand). Cytogenetic location: 1q31.3.
Variant type: single nucleotide variant.
Coding change: c.2503G>A on transcript NM_000186.4 (MANE Select); coding-DNA position 2503, G replaced by A.
Protein change: p.Val835Ile; replaces valine 835 with isoleucine.
Molecular consequence: missense variant.
Genome position (GRCh38, 1-based): chr1:196,736,913, G>A. VCF-style: chr1-196736913-G-A. GRCh37 (hg19) VCF-style: chr1-196706043-G-A.
Other names: short protein forms V835I.
Identifiers: ClinVar variation 2699118 (VCV002699118.3), dbSNP rs1470614367, ClinGen allele CA343992918.